The following is an entry in ClinVar:

NM_001271.4(CHD2):c.4074G>T (p.Glu1358Asp)

Gene: CHD2 (chromodomain helicase DNA binding protein 2; plus strand). Cytogenetic location: 15q26.1.
Variant type: single nucleotide variant.
Coding change: c.4074G>T on transcript NM_001271.4 (MANE Select); coding-DNA position 4074, G replaced by T.
Protein change: p.Glu1358Asp; replaces glutamic acid 1358 with aspartic acid.
Molecular consequence: missense variant.
Genome position (GRCh38, 1-based): chr15:93,000,577, G>T. VCF-style: chr15-93000577-G-T. GRCh37 (hg19) VCF-style: chr15-93543807-G-T.
Other names: short protein forms E1358D.
Identifiers: ClinVar variation 1806043 (VCV001806043.1), dbSNP rs747399398, ClinGen allele CA393900431.

ClinVar aggregate classification (germline): Uncertain significance (1 of 4 stars; one submission).

Conditions:
Developmental and epileptic encephalopathy 94 (DEE94). Also called: CHD2-Related Neurodevelopmental Disorders; Epileptic encephalopathy, childhood-onset. Identifiers: Orphanet 1942, Orphanet 2382, MedGen C3809278, MONDO:0014150, OMIM 615369.

Submission:

Victorian Clinical Genetics Services, Murdoch Childrens Research Institute
Classification: Uncertain significance for Developmental and epileptic encephalopathy 94. Last evaluated: 2020-05-21. Review status: criteria provided, single submitter. Criteria: ACMG Guidelines, 2015. Collection method: clinical testing. Allele origin: germline. Inheritance: Autosomal dominant inheritance. Affected: yes.
Comment: A heterozygous missense variant was identified, NM_001271.3(CHD2):c.4074G>T in exon 32 of 39 of the CHD2 gene (NB: This variant is non-coding in alternative transcript, NM_001042572.2). This substitution is predicted to create a minor amino acid change from glutamic acid to aspartic acid at position 1358 of the protein, NP_001262.3(CHD2):p.(Glu1358Asp). The glutamic acid at this position has high conservation (100 vertebrates, UCSC), and is located within the DNA-binding domain (Liu, J. C. et al. (2015)). In silico software predictions of the pathogenicity of this variant are conflicting (Polyphen, SIFT, CADD, Mutation Taster). The variant is not present in the gnomAD population database. An alternative residue change at the same location has been reported in the gnomAD database at a frequency of 0.0024% (6 heterozygotes). The variant has not been previously reported in a clinical testing setting. Based on information available at the time of curation, this variant has been classified as a VARIANT of UNCERTAIN SIGNIFICANCE (VUS).

Literature cited by the submitters: PubMed 25384982.